The following is an entry in ClinVar:

ClinVar aggregate classification (germline): Conflicting classifications of pathogenicity. Review status: criteria provided, conflicting classifications (1 of 4 stars). 3 submissions from 3 submitters: Pathogenic (1); Uncertain significance (1). 1 of the submissions does not count toward it. Last evaluated 2026-04-01.

Conditions:
Cone-rod dystrophy 21. Also called: Retinal dystrophy with early macular involvement. Identifiers: Orphanet 1872, MedGen C4049066, MONDO:0014669, OMIM 616502, HP:0030635.
Retinal dystrophy. Also called: Inherited retinal dystrophy. Identifiers: Orphanet 71862, MedGen C0854723, MeSH D058499, MONDO:0019118, HP:0000556.

Submissions (3):

Department of Genetics, Sultan Qaboos University Hospital
Classification: Uncertain significance for Cone-rod dystrophy 21. Last evaluated: 2026-04-01. Review status: criteria provided, single submitter. Criteria: ACMG Guidelines, 2015. Collection method: clinical testing. Allele origin: germline. Affected: yes. Observed: 1 variant allele.
Comment: PP1_Moderate, PM2_Supporting, PM4_Supporting

Leeds Vision Research Group, University of Leeds
Classification: Pathogenic for Retinal Dystrophy. Last evaluated: 2014-11-01. Review status: criteria provided, single submitter. Criteria: Submitter's publication. Collection method: reference population. Allele origin: germline. Affected: yes. Observed: 1 homozygote.

OMIM
Classification: Pathogenic for CONE-ROD DYSTROPHY 21. Last evaluated: 2015-05-12. Review status: no assertion criteria provided. Collection method: literature only. Allele origin: germline. Not counted in ClinVar's aggregate classification.

Literature cited by the submitters: PubMed 25983245 (cited by OMIM).

NM_001349884.2(DRAM2):c.61GCT[1] (p.Ala22del)

Gene: DRAM2 (DNA damage regulated autophagy modulator 2; minus strand). Cytogenetic location: 1p13.3.
Variant type: Microsatellite.
Coding change: c.61GCT[1] on transcript NM_001349884.2 (MANE Select); one copy of the 3-base unit GCT starting at c.61; the reference has two copies in a row; one copy, 3 bases deleted; also written c.64_66del.
Protein change: p.Ala22del; deletes alanine 22.
Molecular consequence: inframe deletion. On other transcripts: 5 prime UTR variant (8), non-coding transcript variant (8).
Genome position (GRCh38, 1-based): chr1:111,131,489-111,131,491, AGC deleted on the plus strand (GCT on the coding strand, the reverse complement: DRAM2 is on the minus strand); deleting any 3 consecutive bases within chr1:111,131,489-111,131,496 gives the same sequence; the position shown is the placement nearest the transcript's 3' end. VCF-style (leftmost placement, unchanged base first): chr1-111131488-AAGC-A. GRCh37 (hg19) VCF-style: chr1-111674110-AAGC-A.
Other names: c.61GCT[1], p.Ala22del (NM_001349881.2, NM_001349882.2, NM_001349885.2 and 1 more transcripts); c.-98GCT[1] (NM_001349886.2, NM_001349887.2, NM_001349888.2); c.-190GCT[1] (NM_001349889.2, NM_001349890.2, NM_001349892.2 and 1 more transcripts); c.-358GCT[1] (NM_001349891.2); c.64_66del (NM_001349884.2); short protein forms A22del.
Identifiers: ClinVar variation 192234 (VCV000192234.2), dbSNP rs786205661, ClinGen allele CA200113.
Genomic context (GRCh38, chr1:111,131,488, plus strand): 5'-TATAAGGTAAAGCCGGGTCTATATGGTGGAGTGTTACTGCAGTAATGTATGAAAATATGA[AAGC>A]AGCAGATGTCCAAATTACAAGGGCTGAAGGAAGGAAACTGAGGCCTTGCTGAAACCACCA-3'